The following is an entry in ClinVar:

ClinVar aggregate classification (germline): Uncertain significance (1 of 4 stars; one submission).

Conditions:
PLXNA4-related disorder. Also called: PLXNA4-related condition.

Allele frequency attached by ClinVar (database versions not stated): ExAC 0.00007; gnomAD exomes 0.00007; TOPMed 0.00008; gnomAD 0.00011; ESP Exome Variant Server 0.00015; 1000 Genomes Project 30x 0.00016; 1000 Genomes Project 0.00020.
gnomAD v4.1: 132 of 1,613,608 alleles (0.0082%); highest among the groups gnomAD compares: Middle Eastern, 0.18%; no homozygotes.

Submission:

PreventionGenetics, part of Exact Sciences
Classification: Uncertain significance for PLXNA4-related condition. Last evaluated: 2026-08-10. Review status: criteria provided, single submitter. Criteria: ACMG Guidelines, 2015. Collection method: clinical testing. Allele origin: germline.
Comment: The PLXNA4 c.1378G>A variant is predicted to result in the amino acid substitution p.Gly460Ser. To our knowledge, this variant has not been reported in the literature. This variant is reported in 0.017% of alleles in individuals of Latino descent in gnomAD. Of note, this change is also known as a deep intronic variant c.1371+4285G>A on the MANE transcript NM_020911. At this time, the clinical significance of this variant is uncertain due to the absence of conclusive functional and genetic evidence.

NM_020911.2(PLXNA4):c.1371+4285G>A

Gene: PLXNA4 (plexin A4; minus strand). Cytogenetic location: 7q32.3.
Variant type: single nucleotide variant.
Coding change: c.1371+4285G>A on transcript NM_020911.2 (MANE Select); 4285 bases into the intron after coding-DNA position 1371, G replaced by A.
Molecular consequence: intron variant. On other transcripts: missense variant (1).
Genome position (GRCh38, 1-based): chr7:132,485,007, C>T on the plus strand (G>A on the coding strand, the complement: PLXNA4 is on the minus strand). VCF-style: chr7-132485007-C-T. GRCh37 (hg19) VCF-style: chr7-132169766-C-T.
Other names: c.1378G>A, p.Gly460Ser (NM_181775.4); c.1371+4285G>A (NM_001393897.1, NM_001105543.2); short protein forms G460S.
Identifiers: ClinVar variation 3044342 (VCV003044342.3), dbSNP rs200711077, ClinGen allele CA4490277.